The following is an entry in ClinVar:

ClinVar aggregate classification (germline): Uncertain significance (1 of 4 stars; one submission).

gnomAD v4.1: 40 of 1,613,546 alleles (0.0025%); highest among the groups gnomAD compares: South Asian, 0.0066%; no homozygotes.

Submission:

Labcorp Genetics (formerly Invitae), Labcorp
Classification: Uncertain significance. Last evaluated: 2025-07-10. Review status: criteria provided, single submitter. Criteria: Invitae Variant Classification Sherloc (09022015). Collection method: clinical testing. Allele origin: germline.
Comment: This sequence change replaces valine, which is neutral and non-polar, with leucine, which is neutral and non-polar, at codon 2359 of the ACAN protein (p.Val2359Leu). This variant is present in population databases (rs150555123, gnomAD 0.003%). This variant has not been reported in the literature in individuals affected with ACAN-related conditions. ClinVar contains an entry for this variant (Variation ID: 2908783). An algorithm developed to predict the effect of missense changes on protein structure and function outputs the following: PolyPhen-2: "Benign". The leucine amino acid residue is found in multiple mammalian species, which suggests that this missense change does not adversely affect protein function. In summary, the available evidence is currently insufficient to determine the role of this variant in disease. Therefore, it has been classified as a Variant of Uncertain Significance.

NM_001369268.1(ACAN):c.7189G>C (p.Val2397Leu)

Gene: ACAN (aggrecan; plus strand). Cytogenetic location: 15q26.1.
Variant type: single nucleotide variant.
Coding change: c.7189G>C on transcript NM_001369268.1 (MANE Select); coding-DNA position 7189, G replaced by C.
Protein change: p.Val2397Leu; replaces valine 2397 with leucine.
Molecular consequence: missense variant.
Genome position (GRCh38, 1-based): chr15:88,871,510, G>C. VCF-style: chr15-88871510-G-C. GRCh37 (hg19) VCF-style: chr15-89414741-G-C.
Other names: c.6961G>C, p.Val2321Leu (NM_001135.4, NM_001411096.1); c.7075G>C, p.Val2359Leu (NM_001411097.1, NM_013227.4); short protein forms V2321L, V2359L, V2397L.
Identifiers: ClinVar variation 2908783 (VCV002908783.3), dbSNP rs150555123, ClinGen allele CA7720586.